The following is an entry in ClinVar:

ClinVar aggregate classification (germline): Likely benign. Review status: criteria provided, multiple submitters, no conflicts (2 of 4 stars). 4 submissions from 4 submitters: Likely benign (3). 1 of the submissions does not count toward it. Last evaluated 2026-09-01.

Conditions:
ANO10-related disorder. Also called: ANO10-related condition.

Allele frequency attached by ClinVar (database versions not stated): ExAC 0.00037; 1000 Genomes Project 30x 0.00078; 1000 Genomes Project 0.00080; TOPMed 0.00139; gnomAD exomes 0.00167; gnomAD 0.00245.
gnomAD v4.1: 3,225 of 1,511,604 alleles (0.21%); highest among the groups gnomAD compares: Non-Finnish European, 0.24%; 5 homozygotes.

Submissions (4):

CeGaT Center for Human Genetics Tuebingen
Classification: Likely benign. Last evaluated: 2026-09-01. Review status: criteria provided, single submitter. Criteria: CeGaT Center For Human Genetics Tuebingen Variant Classification Criteria Version 2. Collection method: clinical testing. Allele origin: germline. Affected: yes. Observed: 5 variant alleles.
Comment: ANO10: BS2

Blueprint Genetics
Classification: Likely benign. Last evaluated: 2024-11-21. Review status: criteria provided, single submitter. Criteria: ACMG Guidelines, 2015. Collection method: clinical testing. Allele origin: germline.

Athena Diagnostics
Classification: Likely benign. Last evaluated: 2024-10-24. Review status: criteria provided, single submitter. Criteria: Athena Diagnostics Criteria. Collection method: clinical testing. Allele origin: unknown.

PreventionGenetics, part of Exact Sciences
Classification: Benign for ANO10-related condition. Last evaluated: 2019-10-08. Review status: no assertion criteria provided. Collection method: clinical testing. Allele origin: germline. Not counted in ClinVar's aggregate classification.
Comment: This variant is classified as benign based on ACMG/AMP sequence variant interpretation guidelines (Richards et al. 2015 PMID: 25741868, with internal and published modifications).

NM_018075.5(ANO10):c.1915-5816C>A

Gene: ANO10 (anoctamin 10; minus strand). Cytogenetic location: 3p22.1.
Variant type: single nucleotide variant.
Coding change: c.1915-5816C>A on transcript NM_018075.5 (MANE Select); 5816 bases into the intron before coding-DNA position 1915, C replaced by A.
Molecular consequence: intron variant. On other transcripts: missense variant (1).
Genome position (GRCh38, 1-based): chr3:43,372,790, G>T on the plus strand (C>A on the coding strand, the complement: ANO10 is on the minus strand). VCF-style: chr3-43372790-G-T. GRCh37 (hg19) VCF-style: chr3-43414282-G-T.
Other names: c.1855C>A, p.Pro619Thr (NM_001204831.3); c.1717-5816C>A (NM_001346469.2, NM_001204832.3, NM_001346466.2); c.1915-5816C>A (NM_001346468.2, NM_001346463.2); c.1582-5816C>A (NM_001204833.3); c.1345-5816C>A (NM_001204834.3); c.1798-5816C>A (NM_001346465.2); c.2032-5816C>A (NM_001346464.2, NM_001346467.2); c.1855C>A (NM_001204831.2); short protein forms P619T.
Identifiers: ClinVar variation 425294 (VCV000425294.48), dbSNP rs146629436, ClinGen allele CA2340621.
Genomic context (GRCh38, chr3:43,372,790, plus strand): 5'-GGTATGTGGTCTCCAGAGAGCAGGGCCATGACTAGACCCCAGGACCTATGACAGTGCCTG[G>T]CACTGAGTTGGTGCTCCATGAATACCGTGGAAGAGAGACCAGCTTGCAGCTTGCAGCCTG-3'